The following is an entry in ClinVar:

ClinVar aggregate classification (germline): Uncertain significance. Review status: criteria provided, multiple submitters, no conflicts (2 of 4 stars). 2 submissions from 2 submitters: Uncertain significance (2). Last evaluated 2020-11-21.

Conditions:
Muscular dystrophy-dystroglycanopathy (congenital with brain and eye anomalies), type A, 7. Also called: WALKER-WARBURG SYNDROME OR MUSCLE-EYE-BRAIN DISEASE, ISPD-RELATED; Congenital muscular dystrophy-dystroglycanopathy with brain and eye anomalies, type A7. Identifiers: Orphanet 899, MedGen C3553330, MONDO:0013835, OMIM 614643.
Autosomal recessive limb-girdle muscular dystrophy type 2U. Also called: Muscular dystrophy-dystroglycanopathy (limb-girdle), type c, 7; MUSCULAR DYSTROPHY, LIMB-GIRDLE, TYPE 2U. Identifiers: Orphanet 352479, MedGen C5190987, MONDO:0014474, OMIM 616052.

Allele frequency attached by ClinVar (database versions not stated): TOPMed 0.00002; ExAC 0.00011.
gnomAD v4.1: 9 of 1,579,258 alleles (0.00057%); highest among the groups gnomAD compares: Non-Finnish European, 0.00078%; no homozygotes.

Submissions (2):

Labcorp Genetics (formerly Invitae), Labcorp
Classification: Uncertain significance for Muscular dystrophy-dystroglycanopathy (congenital with brain and eye anomalies), type A, 7; Autosomal recessive limb-girdle muscular dystrophy type 2U. Last evaluated: 2020-11-21. Review status: criteria provided, single submitter. Criteria: Invitae Variant Classification Sherloc (09022015). Collection method: clinical testing. Allele origin: germline.
Comment: The frequency data for this variant in the population databases is considered unreliable, as metrics indicate poor data quality at this position in the ExAC database. This variant has not been reported in the literature in individuals with ISPD-related conditions. ClinVar contains an entry for this variant (Variation ID: 596846). Algorithms developed to predict the effect of missense changes on protein structure and function output the following: SIFT: "Deleterious"; PolyPhen-2: "Benign"; Align-GVGD: "Class C0". The lysine amino acid residue is found in multiple mammalian species, suggesting that this missense change does not adversely affect protein function. These predictions have not been confirmed by published functional studies and their clinical significance is uncertain. In summary, the available evidence is currently insufficient to determine the role of this variant in disease. Therefore, it has been classified as a Variant of Uncertain Significance. This sequence change replaces threonine with lysine at codon 291 of the ISPD protein (p.Thr291Lys). The threonine residue is moderately conserved and there is a moderate physicochemical difference between threonine and lysine.

Eurofins Ntd Llc (ga)
Classification: Uncertain significance. Last evaluated: 2018-04-20. Review status: criteria provided, single submitter. Criteria: EGL ClinVar v180209 classification definitions. Collection method: clinical testing. Allele origin: germline. Observed: 1 variant allele, 1 heterozygote.

NM_001101426.4(CRPPA):c.872C>A (p.Thr291Lys)

Gene: CRPPA (CDP-L-ribitol pyrophosphorylase A; minus strand). Cytogenetic location: 7p21.2.
Variant type: single nucleotide variant.
Coding change: c.872C>A on transcript NM_001101426.4 (MANE Select); coding-DNA position 872, C replaced by A.
Protein change: p.Thr291Lys; replaces threonine 291 with lysine.
Molecular consequence: missense variant. On other transcripts: non-coding transcript variant (1).
Genome position (GRCh38, 1-based): chr7:16,278,190, G>T on the plus strand (C>A on the coding strand, the complement: CRPPA is on the minus strand). VCF-style: chr7-16278190-G-T. GRCh37 (hg19) VCF-style: chr7-16317815-G-T.
Other names: c.722C>A, p.Thr241Lys (NM_001101417.4); c.767C>A, p.Thr256Lys (NM_001368197.1); short protein forms T291K, T241K, T256K.
Identifiers: ClinVar variation 596846 (VCV000596846.12), dbSNP rs764380983, ClinGen allele CA4169462.